The following is an entry in ClinVar:

ClinVar aggregate classification (germline): Conflicting classifications of pathogenicity. Review status: criteria provided, conflicting classifications (1 of 4 stars). 4 submissions from 4 submitters: Uncertain significance (1); Likely benign (2). 1 of the submissions does not count toward it. Last evaluated 2025-12-16.

Conditions:
TRAP1-related disorder. Also called: TRAP1-related condition.

Allele frequency attached by ClinVar (database versions not stated): gnomAD exomes 0.00022 and 0.00042; ExAC 0.00049; ESP Exome Variant Server 0.00092; gnomAD 0.00139 and 0.00145; TOPMed 0.00168; 1000 Genomes Project 0.00200; 1000 Genomes Project 30x 0.00234.
gnomAD v4.1: 541 of 1,611,974 alleles (0.034%); highest among the groups gnomAD compares: African/African-American, 0.48%; 1 homozygote.

Submissions (4):

Labcorp Genetics (formerly Invitae), Labcorp
Classification: Likely benign. Last evaluated: 2025-12-16. Review status: criteria provided, single submitter. Criteria: Invitae Variant Classification Sherloc (09022015). Collection method: clinical testing. Allele origin: germline.

CeGaT Center for Human Genetics Tuebingen
Classification: Uncertain significance. Last evaluated: 2025-07-01. Review status: criteria provided, single submitter. Criteria: CeGaT Center For Human Genetics Tuebingen Variant Classification Criteria Version 2. Collection method: clinical testing. Allele origin: germline. Affected: yes. Observed: 1 variant allele.

Breakthrough Genomics
Classification: Likely benign. Review status: criteria provided, single submitter. Criteria: ACMG Guidelines, 2015. Collection method: not provided. Allele origin: germline. Inheritance: Unknown mechanism. Affected: yes.

PreventionGenetics, part of Exact Sciences
Classification: Likely benign for TRAP1-related condition. Last evaluated: 2021-03-09. Review status: no assertion criteria provided. Collection method: clinical testing. Allele origin: germline. Not counted in ClinVar's aggregate classification.
Comment: This variant is classified as likely benign based on ACMG/AMP sequence variant interpretation guidelines (Richards et al. 2015 PMID: 25741868, with internal and published modifications).

NM_016292.3(TRAP1):c.1805G>A (p.Arg602Gln)

Genes: DNASE1 (deoxyribonuclease 1; plus strand), TRAP1 (TNF receptor associated protein 1; minus strand). Cytogenetic location: 16p13.3.
Variant type: single nucleotide variant.
Coding change: c.1805G>A on transcript NM_016292.3 (MANE Select); coding-DNA position 1805, G replaced by A.
Protein change: p.Arg602Gln; replaces arginine 602 with glutamine.
Molecular consequence: missense variant.
Genome position (GRCh38, 1-based): chr16:3,662,122, C>T on the plus strand (G>A on the coding strand, the complement: TRAP1 is on the minus strand). VCF-style: chr16-3662122-C-T. GRCh37 (hg19) VCF-style: chr16-3712123-C-T.
Other names: c.1646G>A, p.Arg549Gln (NM_001272049.2); short protein forms R602Q, R549Q.
Identifiers: ClinVar variation 734841 (VCV000734841.19), dbSNP rs138615105, ClinGen allele CA7867802.